The following is an entry in ClinVar:

ClinVar aggregate classification (germline): Uncertain significance. Review status: criteria provided, multiple submitters, no conflicts (2 of 4 stars). 3 submissions from 3 submitters: Uncertain significance (3). Last evaluated 2025-02-14.

Conditions:
Inborn genetic diseases. Identifiers: MedGen C0950123, MeSH D030342.
Ehlers-Danlos syndrome, dermatosparaxis type. Also called: EDS VIIC; Dermatosparaxis; Ehlers-Danlos syndrome, type VII, autosomal recessive. Identifiers: Orphanet 1901, MedGen C2700425, MONDO:0009161, OMIM 225410.

Allele frequency attached by ClinVar (database versions not stated): gnomAD 0.00006; TOPMed 0.00009.
gnomAD v4.1: 36 of 1,552,350 alleles (0.0023%); highest among the groups gnomAD compares: Admixed American, 0.023%; no homozygotes.

Submissions (3):

Mayo Clinic Laboratories, Mayo Clinic
Classification: Uncertain significance. Last evaluated: 2025-02-14. Review status: criteria provided, single submitter. Criteria: ACMG Guidelines, 2015. Collection method: clinical testing. Allele origin: germline. Observed: 1 variant allele.
Comment: BP4

Ambry Genetics
Classification: Uncertain significance for Inborn genetic diseases. Last evaluated: 2024-05-26. Review status: criteria provided, single submitter. Criteria: Ambry Variant Classification Scheme 2023. Collection method: clinical testing. Allele origin: germline.

Labcorp Genetics (formerly Invitae), Labcorp
Classification: Uncertain significance for Ehlers-Danlos syndrome, dermatosparaxis type. Last evaluated: 2022-08-02. Review status: criteria provided, single submitter. Criteria: Invitae Variant Classification Sherloc (09022015). Collection method: clinical testing. Allele origin: germline.
Comment: This sequence change replaces alanine, which is neutral and non-polar, with threonine, which is neutral and polar, at codon 1005 of the ADAMTS2 protein (p.Ala1005Thr). This variant is present in population databases (no rsID available, gnomAD 0.01%). This variant has not been reported in the literature in individuals affected with ADAMTS2-related conditions. Algorithms developed to predict the effect of missense changes on protein structure and function output the following: SIFT: "Tolerated"; PolyPhen-2: "Benign"; Align-GVGD: "Class C0". The threonine amino acid residue is found in multiple mammalian species, which suggests that this missense change does not adversely affect protein function. In summary, the available evidence is currently insufficient to determine the role of this variant in disease. Therefore, it has been classified as a Variant of Uncertain Significance.

NM_014244.5(ADAMTS2):c.3013G>A (p.Ala1005Thr)

Gene: ADAMTS2 (ADAM metallopeptidase with thrombospondin type 1 motif 2; minus strand). Cytogenetic location: 5q35.3.
Variant type: single nucleotide variant.
Coding change: c.3013G>A on transcript NM_014244.5 (MANE Select); coding-DNA position 3013, G replaced by A.
Protein change: p.Ala1005Thr; replaces alanine 1005 with threonine.
Molecular consequence: missense variant.
Genome position (GRCh38, 1-based): chr5:179,122,719, C>T on the plus strand (G>A on the coding strand, the complement: ADAMTS2 is on the minus strand). VCF-style: chr5-179122719-C-T. GRCh37 (hg19) VCF-style: chr5-178549720-C-T.
Other names: p.Ala1005Thr; short protein forms A1005T.
Identifiers: ClinVar variation 1960949 (VCV001960949.5), dbSNP rs757793067, ClinGen allele CA133025918.